The following is an entry in ClinVar:

NM_002227.4(JAK1):c.3355A>G (p.Asn1119Asp)

Gene: JAK1 (Janus kinase 1; minus strand). Cytogenetic location: 1p31.3.
Variant type: single nucleotide variant.
Coding change: c.3355A>G on transcript NM_002227.4 (MANE Select); coding-DNA position 3355, A replaced by G.
Protein change: p.Asn1119Asp; replaces asparagine 1119 with aspartic acid.
Molecular consequence: missense variant.
Genome position (GRCh38, 1-based): chr1:64,835,410, T>C on the plus strand (A>G on the coding strand, the complement: JAK1 is on the minus strand). VCF-style: chr1-64835410-T-C. GRCh37 (hg19) VCF-style: chr1-65301093-T-C.
Other names: c.3355A>G, p.Asn1119Asp (NM_001321855.2, NM_001321856.2, NM_001320923.2 and 3 more transcripts); c.3352A>G, p.Asn1118Asp (NM_001321857.2); short protein forms N1119D, N1118D.
Identifiers: ClinVar variation 2770761 (VCV002770761.3), dbSNP rs745818157, ClinGen allele CA892469.
Genomic context (GRCh38, chr1:64,835,410, plus strand): 5'-CATAATAGAAATGGAGTGTTATTACTGTGACGTGGCCCATAGATACCTCATCTGGACAGT[T>C]AGGTGGGCACGGCAGGCGTTTTCCTTCTTTTAACGTATTCACAAGTCTTGTGACTGTCAT-3'
Protein context (NP_002218.2, residues 1109-1129): KEGKRLPCPP[Asn1119Asp]CPDEVYQLMR

ClinVar aggregate classification (germline): Uncertain significance (1 of 4 stars; one submission).

Allele frequency attached by ClinVar (database versions not stated): gnomAD exomes below 0.00001; TOPMed below 0.00001; ExAC 0.00001; gnomAD 0.00001.
gnomAD v4.1: 3 of 1,592,642 alleles (0.00019%); highest among the groups gnomAD compares: Non-Finnish European, 0.00026%; no homozygotes.

Submission:

Labcorp Genetics (formerly Invitae), Labcorp
Classification: Uncertain significance. Last evaluated: 2023-10-22. Review status: criteria provided, single submitter. Criteria: Invitae Variant Classification Sherloc (09022015). Collection method: clinical testing. Allele origin: germline.
Comment: This sequence change replaces asparagine, which is neutral and polar, with aspartic acid, which is acidic and polar, at codon 1119 of the JAK1 protein (p.Asn1119Asp). This variant is present in population databases (rs745818157, gnomAD 0.002%). This variant has not been reported in the literature in individuals affected with JAK1-related conditions. Advanced modeling of protein sequence and biophysical properties (such as structural, functional, and spatial information, amino acid conservation, physicochemical variation, residue mobility, and thermodynamic stability) performed at Invitae indicates that this missense variant is not expected to disrupt JAK1 protein function. In summary, the available evidence is currently insufficient to determine the role of this variant in disease. Therefore, it has been classified as a Variant of Uncertain Significance.